The following is an entry in ClinVar:

NM_002880.4(RAF1):c.428G>A (p.Arg143Gln)

Gene: RAF1 (Raf-1 proto-oncogene, serine/threonine kinase; minus strand). Cytogenetic location: 3p25.2.
Variant type: single nucleotide variant.
Coding change: c.428G>A on transcript NM_002880.4 (MANE Select); coding-DNA position 428, G replaced by A.
Protein change: p.Arg143Gln; replaces arginine 143 with glutamine.
Molecular consequence: missense variant. On other transcripts: non-coding transcript variant (3).
Genome position (GRCh38, 1-based): chr3:12,608,919, C>T on the plus strand (G>A on the coding strand, the complement: RAF1 is on the minus strand). VCF-style: chr3-12608919-C-T. GRCh37 (hg19) VCF-style: chr3-12650418-C-T.
Other names: c.428G>A, p.Arg143Gln (NM_001354689.3, NM_001354690.3, NM_001354693.3); c.185G>A, p.Arg62Gln (NM_001354691.3, NM_001354692.3, NM_001354694.3 and 1 more transcripts); short protein forms R62Q, R143Q.
Identifiers: ClinVar variation 842122 (VCV000842122.15), dbSNP rs750697353, ClinGen allele CA2259759.
Genomic context (GRCh38, chr3:12,608,919, plus strand): 5'-AATCCATTGAGCAGGAATTTCTGACAGATGTCACAGAAGGCAAGCTTCAGGAACGTCTTC[C>T]GAGCCTACAACAAGAACACAGGTGTAAATTATGCTGAATAAATAAAAGATGACAAAAGAC-3'
Protein context (NP_002871.1, residues 133-153): HVPLTTHNFA[Arg143Gln]KTFLKLAFCD

ClinVar aggregate classification (germline): Uncertain significance. Review status: criteria provided, multiple submitters, no conflicts (2 of 4 stars). 3 submissions from 3 submitters: Uncertain significance (3). Last evaluated 2025-08-11.

Conditions:
Cardiovascular phenotype. Identifiers: MedGen CN230736.
RASopathy. Also called: Noonan spectrum disorder; rasopathies. Identifiers: Orphanet 536391, MedGen C5555857, MONDO:0021060.

Allele frequency attached by ClinVar (database versions not stated): gnomAD exomes 0.00001; ExAC 0.00002; TOPMed 0.00002; gnomAD 0.00003.
gnomAD v4.1: 14 of 1,613,868 alleles (0.00087%); highest among the groups gnomAD compares: South Asian, 0.0022%; no homozygotes.

Submissions (3):

Labcorp Genetics (formerly Invitae), Labcorp
Classification: Uncertain significance for RASopathy. Last evaluated: 2025-08-11. Review status: criteria provided, single submitter. Criteria: Invitae Variant Classification Sherloc (09022015). Collection method: clinical testing. Allele origin: germline.
Comment: This sequence change replaces arginine, which is basic and polar, with glutamine, which is neutral and polar, at codon 143 of the RAF1 protein (p.Arg143Gln). This variant is present in population databases (rs750697353, gnomAD 0.007%). This variant has not been reported in the literature in individuals affected with RAF1-related conditions. ClinVar contains an entry for this variant (Variation ID: 842122). Invitae Evidence Modeling incorporating data from in vitro experimental studies (internal data) indicates that this missense variant is expected to disrupt RAF1 function with a positive predictive value of 95%. In summary, the available evidence is currently insufficient to determine the role of this variant in disease. Therefore, it has been classified as a Variant of Uncertain Significance.

Ambry Genetics
Classification: Uncertain significance for Cardiovascular phenotype. Last evaluated: 2024-12-27. Review status: criteria provided, single submitter. Criteria: Ambry Variant Classification Scheme 2023. Collection method: clinical testing. Allele origin: germline.
Comment: The p.R143Q variant (also known as c.428G>A), located in coding exon 4 of the RAF1 gene, results from a G to A substitution at nucleotide position 428. The arginine at codon 143 is replaced by glutamine, an amino acid with highly similar properties, and is located in the cysteine-rich domain. An indirect in vitro functional assay suggested this variant may result in a slight activation of RAF1 enzymatic activity, but the physiological relevance of the result is unclear (Winkler DG et al. J. Biol. Chem., 1998 Aug;273:21578-84). This amino acid position is highly conserved in available vertebrate species. In addition, the in silico prediction for this alteration is inconclusive. Since supporting evidence is limited at this time, the clinical significance of this alteration remains unclear.

Blueprint Genetics
Classification: Uncertain significance. Last evaluated: 2019-06-08. Review status: criteria provided, single submitter. Criteria: ACMG Guidelines, 2015. Collection method: clinical testing. Allele origin: germline.

Literature cited by the submitters: PubMed 29532030 (cited by Ambry Genetics); PubMed 9705288 (cited by Ambry Genetics).